The following is an entry in ClinVar:

NM_000387.6(SLC25A20):c.19C>T (p.Pro7Ser)

Gene: SLC25A20 (solute carrier family 25 member 20; minus strand). Cytogenetic location: 3p21.31.
Variant type: single nucleotide variant.
Coding change: c.19C>T on transcript NM_000387.6 (MANE Select); coding-DNA position 19, C replaced by T.
Protein change: p.Pro7Ser; replaces proline 7 with serine.
Molecular consequence: missense variant.
Genome position (GRCh38, 1-based): chr3:48,898,776, G>A on the plus strand (C>T on the coding strand, the complement: SLC25A20 is on the minus strand). VCF-style: chr3-48898776-G-A. GRCh37 (hg19) VCF-style: chr3-48936209-G-A.
Other names: short protein forms P7S.
Identifiers: ClinVar variation 3345570 (VCV003345570.1).

ClinVar aggregate classification (germline): Uncertain significance (0 of 4 stars; one submission).

Conditions:
SLC25A20-related disorder. Also called: SLC25A20-related condition.

Submission:

PreventionGenetics, part of Exact Sciences
Classification: Uncertain significance for SLC25A20-related condition. Last evaluated: 2024-08-15. Review status: no assertion criteria provided. Collection method: clinical testing. Allele origin: germline.
Comment: The SLC25A20 c.19C>T variant is predicted to result in the amino acid substitution p.Pro7Ser. To our knowledge, this variant has not been reported in the literature or in a large population database, indicating this variant is rare. At this time, the clinical significance of this variant is uncertain due to the absence of conclusive functional and genetic evidence.